The following is an entry in ClinVar:

ClinVar aggregate classification (germline): Uncertain significance (1 of 4 stars; one submission).

Conditions:
Hereditary breast ovarian cancer syndrome. Also called: Hereditary breast and ovarian cancer syndrome; Hereditary breast and/or ovarian cancer syndrome; Hereditary breast and ovarian cancer; Hereditary breast and ovarian cancer syndrome (HBOC); Breast and ovarian cancer; BRCA1- and BRCA2-Associated Hereditary Breast and Ovarian Cancer. Identifiers: Orphanet 145, MedGen C0677776, MeSH D061325, MONDO:0003582. Disease mechanism: loss of function.

Submission:

Labcorp Genetics (formerly Invitae), Labcorp
Classification: Uncertain significance for Hereditary breast ovarian cancer syndrome. Last evaluated: 2024-11-18. Review status: criteria provided, single submitter. Criteria: Invitae Variant Classification Sherloc (09022015). Collection method: clinical testing. Allele origin: germline.
Comment: This variant, c.2515_2517del, results in the deletion of 1 amino acid(s) of the BRCA1 protein (p.His839del), but otherwise preserves the integrity of the reading frame. This variant is not present in population databases (gnomAD no frequency). This variant has not been reported in the literature in individuals affected with BRCA1-related conditions. Experimental studies and prediction algorithms are not available or were not evaluated, and the functional significance of this variant is currently unknown. In summary, the available evidence is currently insufficient to determine the role of this variant in disease. Therefore, it has been classified as a Variant of Uncertain Significance.

NM_007294.4(BRCA1):c.2515_2517del (p.His839del)

Gene: BRCA1 (BRCA1 DNA repair associated; minus strand). Cytogenetic location: 17q21.31.
Variant type: Deletion.
Coding change: c.2515_2517del on transcript NM_007294.4 (MANE Select); coding-DNA positions 2515 to 2517, 3 bases deleted (CAC; older notation c.2515_2517delCAC).
Protein change: p.His839del; deletes histidine 839.
Molecular consequence: intron variant (on NM_001407985.1).
Genome position (GRCh38, 1-based): chr17:43,093,014-43,093,016, GTG deleted on the plus strand (CAC on the coding strand, the reverse complement: BRCA1 is on the minus strand); deleting any 3 consecutive bases within chr17:43,093,014-43,093,018 gives the same sequence; the c. name uses the placement nearest the transcript's 3' end. VCF-style (leftmost placement, unchanged base first): chr17-43093013-TGTG-T. GRCh37 (hg19) VCF-style: chr17-41245030-TGTG-T.
Other names: c.2371_2373del, p.His791del (NM_001407740.1, NM_001407741.1, NM_001407742.1 and 20 more transcripts); c.2374_2376del, p.His792del (NM_001407752.1, NM_001407751.1, NM_001407750.1 and 29 more transcripts); c.2302_2304del, p.His768del (NM_001407571.1, NM_001407853.1, NM_001407894.1 and 9 more transcripts); c.2515_2517del, p.His839del (NM_001407581.1, NM_001407582.1, NM_001407583.1 and 30 more transcripts); c.784+1728_784+1730del (NM_001407985.1, NM_001407991.1, NM_001408407.1 and 13 more transcripts); c.548-1984_548-1982del (NM_001408494.1); c.664+1728_664+1730del (NM_001408444.1, NM_001408438.1, NM_001408430.1 and 12 more transcripts); c.2512_2514del, p.His838del (NM_001407587.1, NM_001407590.1, NM_001407591.1 and 22 more transcripts); and 41 more; short protein forms H543del, H711del, H772del, H728del, H769del, H771del, H792del, H812del.
Identifiers: ClinVar variation 3725461 (VCV003725461.2).